The following is an entry in ClinVar:

ClinVar aggregate classification (germline): Uncertain significance (1 of 4 stars; one submission).

Submission:

GeneDx
Classification: Uncertain significance. Last evaluated: 2024-03-20. Review status: criteria provided, single submitter. Criteria: GeneDx Variant Classification Process June 2021. Collection method: clinical testing. Allele origin: germline. Affected: yes.
Comment: Not observed at significant frequency in large population cohorts (gnomAD); In silico analysis supports that this missense variant has a deleterious effect on protein structure/function; Has not been previously published as pathogenic or benign to our knowledge

NM_003108.4(SOX11):c.656G>T (p.Cys219Phe)

Gene: SOX11 (SRY-box transcription factor 11; plus strand). Cytogenetic location: 2p25.2.
Variant type: single nucleotide variant.
Coding change: c.656G>T on transcript NM_003108.4 (MANE Select); coding-DNA position 656, G replaced by T.
Protein change: p.Cys219Phe; replaces cysteine 219 with phenylalanine.
Molecular consequence: missense variant.
Genome position (GRCh38, 1-based): chr2:5,693,377, G>T. VCF-style: chr2-5693377-G-T. GRCh37 (hg19) VCF-style: chr2-5833509-G-T.
Other names: short protein forms C219F.
Identifiers: ClinVar variation 3371291 (VCV003371291.1).